The following is an entry in ClinVar:

ClinVar aggregate classification (germline): Pathogenic (1 of 4 stars; one submission).

Conditions:
Hereditary cancer-predisposing syndrome. Also called: Neoplastic Syndromes, Hereditary; Tumor predisposition; Hereditary Cancer Syndrome; Hereditary neoplastic syndrome. Identifiers: Orphanet 140162, MedGen C0027672, MeSH D009386, MONDO:0015356.

Submission:

Ambry Genetics
Classification: Pathogenic for Hereditary cancer-predisposing syndrome. Last evaluated: 2017-03-31. Review status: criteria provided, single submitter. Criteria: Ambry Variant Classification Scheme 2023. Collection method: clinical testing. Allele origin: germline.
Comment: The c.2080_2095del16 pathogenic mutation, located in coding exon 15 of the TSC1 gene, results from a deletion of 16 nucleotides at nucleotide positions 2080 to 2095, causing a translational frameshift with a predicted alternate stop codon (p.Q694Tfs*25). This alteration is expected to result in loss of function by premature protein truncation or nonsense-mediated mRNA decay. As such, this alteration is interpreted as a disease-causing mutation.

NM_000368.5(TSC1):c.2080_2095del (p.Gln694fs)

Gene: TSC1 (TSC complex subunit 1; minus strand). Cytogenetic location: 9q34.13.
Variant type: Deletion.
Coding change: c.2080_2095del on transcript NM_000368.5 (MANE Select); coding-DNA positions 2080 to 2095, 16 bases deleted (CAGTTGCTTTTACTGC).
Protein change: p.Gln694fs; shifts the reading frame from glutamine 694.
Molecular consequence: frameshift variant.
Genome position (GRCh38, 1-based): chr9:132,903,764-132,903,779, GCAGTAAAAGCAACTG deleted on the plus strand (CAGTTGCTTTTACTGC on the coding strand, the reverse complement: TSC1 is on the minus strand); deleting any 16 consecutive bases within chr9:132,903,764-132,903,780 gives the same sequence; the c. name uses the placement nearest the transcript's 3' end. VCF-style (leftmost placement, unchanged base first): chr9-132903763-TGCAGTAAAAGCAACTG-T. GRCh37 (hg19) VCF-style: chr9-135779150-TGCAGTAAAAGCAACTG-T.
Other names: c.2079_2094del16, p.Gln694Thrfs (NM_001406607.1, NM_001406592.1, NM_001406593.1 and 5 more transcripts); c.2076_2091del16, p.Gln693Thrfs (NM_001406608.1, NM_001406609.1, NM_001406597.1 and 3 more transcripts); c.1926_1941del16, p.Gln643Thrfs (NM_001406610.1); c.1923_1938del16, p.Gln642Thrfs (NM_001406611.1, NM_001406613.1, NM_001406612.1); c.1716_1731del16, p.Gln573Thrfs (NM_001406614.1, NM_001406615.1, NM_001406616.1 and 4 more transcripts); c.2077_2092del, p.Gln693fs (NM_001162426.2); c.1927_1942del, p.Gln643fs (NM_001162427.2); c.1717_1732del, p.Gln573fs (NM_001362177.2); and 7 more; short protein forms Q694fs, Q573fs, Q693fs, Q643fs.
Identifiers: ClinVar variation 1785554 (VCV001785554.2), dbSNP rs2538656824, ClinGen allele CA2580080154.